The following is an entry in ClinVar:

ClinVar aggregate classification (germline): Uncertain significance (1 of 4 stars; one submission).

Submission:

Labcorp Genetics (formerly Invitae), Labcorp
Classification: Uncertain significance. Last evaluated: 2022-08-13. Review status: criteria provided, single submitter. Criteria: Invitae Variant Classification Sherloc (09022015). Collection method: clinical testing. Allele origin: germline.
Comment: This sequence change replaces glutamic acid, which is acidic and polar, with glycine, which is neutral and non-polar, at codon 1316 of the BPTF protein (p.Glu1316Gly). This variant is not present in population databases (gnomAD no frequency). In summary, the available evidence is currently insufficient to determine the role of this variant in disease. Therefore, it has been classified as a Variant of Uncertain Significance. Algorithms developed to predict the effect of missense changes on protein structure and function (SIFT, PolyPhen-2, Align-GVGD) all suggest that this variant is likely to be tolerated. This variant has not been reported in the literature in individuals affected with BPTF-related conditions.

NM_182641.4(BPTF):c.3569A>G (p.Glu1190Gly)

Gene: BPTF (bromodomain PHD finger transcription factor; plus strand). Cytogenetic location: 17q24.2.
Variant type: single nucleotide variant.
Coding change: c.3569A>G on transcript NM_182641.4 (MANE Select); coding-DNA position 3569, A replaced by G.
Protein change: p.Glu1190Gly; replaces glutamic acid 1190 with glycine.
Molecular consequence: missense variant.
Genome position (GRCh38, 1-based): chr17:67,911,453, A>G. VCF-style: chr17-67911453-A-G. GRCh37 (hg19) VCF-style: chr17-65907569-A-G.
Other names: c.3947A>G, p.Glu1316Gly (NM_004459.7); short protein forms E1190G, E1316G.
Identifiers: ClinVar variation 1716300 (VCV001716300.5), dbSNP rs2511463053, ClinGen allele CA400726831.